The following is an entry in ClinVar:

NM_014956.5(CEP164):c.2245C>T (p.Gln749Ter)

Gene: CEP164 (centrosomal protein 164; plus strand). Cytogenetic location: 11q23.3.
Variant type: single nucleotide variant.
Coding change: c.2245C>T on transcript NM_014956.5 (MANE Select); coding-DNA position 2245, C replaced by T.
Protein change: p.Gln749Ter; replaces glutamine 749 with a stop codon.
Molecular consequence: nonsense.
Genome position (GRCh38, 1-based): chr11:117,391,177, C>T. VCF-style: chr11-117391177-C-T. GRCh37 (hg19) VCF-style: chr11-117261893-C-T.
Other names: c.2254C>T, p.Gln752Ter (NM_001271933.2, NM_001440949.1); c.2245C>T, p.Gln749Ter (NM_001440950.1, NM_001440951.1, NM_001440953.1); c.2080C>T, p.Gln694Ter (NM_001440952.1, NM_001440968.1, NM_001440969.1); c.2167C>T, p.Gln723Ter (NM_001440954.1, NM_001440955.1, NM_001440958.1 and 1 more transcripts); c.2158C>T, p.Gln720Ter (NM_001440956.1, NM_001440957.1); c.2116C>T, p.Gln706Ter (NM_001440960.1); c.2107C>T, p.Gln703Ter (NM_001440961.1, NM_001440967.1); c.2098C>T, p.Gln700Ter (NM_001440962.1, NM_001440963.1, NM_001440964.1 and 4 more transcripts); and 7 more; short protein forms Q604*, Q630*, Q674*, Q679*, Q700*, Q703*, Q706*, Q694*.
Identifiers: ClinVar variation 4770343 (VCV004770343.1).

ClinVar aggregate classification (germline): Pathogenic (1 of 4 stars; one submission).

Conditions:
Nephronophthisis 15 (NPHP15). Identifiers: Orphanet 3156, MedGen C3541853, MONDO:0013917, OMIM 614845.

gnomAD v4.1: 4 of 1,612,544 alleles (0.00025%); highest among the groups gnomAD compares: Non-Finnish European, 0.00034%; no homozygotes.

Submission:

Labcorp Genetics (formerly Invitae), Labcorp
Classification: Pathogenic for Nephronophthisis 15. Last evaluated: 2025-12-23. Review status: criteria provided, single submitter. Criteria: Invitae Variant Classification Sherloc (09022015). Collection method: clinical testing. Allele origin: germline.
Comment: This sequence change creates a premature translational stop signal (p.Gln749*) in the CEP164 gene. It is expected to result in an absent or disrupted protein product. Loss-of-function variants in CEP164 are known to be pathogenic (PMID: 22863007, 28125082, 32367404, 34132027, 34499853). This variant is not present in population databases (gnomAD no frequency). This variant has not been reported in the literature in individuals affected with CEP164-related conditions. Algorithms developed to predict the effect of sequence changes on RNA splicing suggest that this variant may disrupt the consensus splice site. For these reasons, this variant has been classified as Pathogenic.

Literature cited by the submitters: PubMed 22863007; PubMed 28125082; PubMed 32367404; PubMed 34132027; PubMed 34499853.